The following is an entry in ClinVar:

NM_001330078.2(NRXN1):c.1403T>G (p.Val468Gly)

Gene: NRXN1 (neurexin 1; minus strand). Cytogenetic location: 2p16.3.
Variant type: single nucleotide variant.
Coding change: c.1403T>G on transcript NM_001330078.2 (MANE Select); coding-DNA position 1403, T replaced by G.
Protein change: p.Val468Gly; replaces valine 468 with glycine.
Molecular consequence: missense variant.
Genome position (GRCh38, 1-based): chr2:50,552,943, A>C on the plus strand (T>G on the coding strand, the complement: NRXN1 is on the minus strand). VCF-style: chr2-50552943-A-C. GRCh37 (hg19) VCF-style: chr2-50780081-A-C.
Other names: c.1523T>G, p.Val508Gly (NM_001135659.3); c.1379T>G, p.Val460Gly (NM_001330077.2, NM_001330082.2, NM_001330095.2); c.1364T>G, p.Val455Gly (NM_001330083.2, NM_001330084.2); c.1403T>G, p.Val468Gly (NM_001330085.2, NM_001330086.2, NM_004801.6); c.1319T>G, p.Val440Gly (NM_001330087.2, NM_001330096.2); c.1349T>G, p.Val450Gly (NM_001330088.2); c.1400T>G, p.Val467Gly (NM_001330093.2); c.1391T>G, p.Val464Gly (NM_001330094.2); short protein forms V468G, V460G, V464G, V508G, V440G, V450G, V455G, V467G.
Identifiers: ClinVar variation 3668963 (VCV003668963.3).

ClinVar aggregate classification (germline): Uncertain significance. Review status: criteria provided, multiple submitters, no conflicts (2 of 4 stars). 2 submissions from 2 submitters: Uncertain significance (2). Last evaluated 2026-08-06.

Conditions:
Pitt-Hopkins-like syndrome 2 (PTHSL2). Identifiers: Orphanet 221150, Orphanet 600663, MedGen C3280479, MONDO:0013690, OMIM 614325.

gnomAD v4.1: 12 of 1,613,510 alleles (0.00074%); highest among the groups gnomAD compares: Admixed American, 0.005%; no homozygotes.

Submissions (2):

OLLIN Analises Genomicas, OLLIN
Classification: Uncertain significance for Pitt-Hopkins-like syndrome 2. Last evaluated: 2026-08-06. Review status: criteria provided, single submitter. Criteria: ACMG Guidelines 2015 PMID 25741868. Collection method: clinical testing. Allele origin: germline.
Comment: This missense variant, located in exon 9 (of 23), has been reported in ClinVar (accession VCV003668963.2) and in gnomAD with an allele frequency of 0.00074%. However, to our knowledge, it has not been reported in the scientific literature. In silico analysis predicts that this variant has a tolerated effect. According to the currently available evidence, this variant has been classified as uncertain significance (BP4).

Labcorp Genetics (formerly Invitae), Labcorp
Classification: Uncertain significance for Pitt-Hopkins-like syndrome 2. Last evaluated: 2024-04-24. Review status: criteria provided, single submitter. Criteria: Invitae Variant Classification Sherloc (09022015). Collection method: clinical testing. Allele origin: germline.
Comment: This sequence change replaces valine, which is neutral and non-polar, with glycine, which is neutral and non-polar, at codon 508 of the NRXN1 protein (p.Val508Gly). This variant is present in population databases (no rsID available, gnomAD 0.003%). This variant has not been reported in the literature in individuals affected with NRXN1-related conditions. Advanced modeling of protein sequence and biophysical properties (such as structural, functional, and spatial information, amino acid conservation, physicochemical variation, residue mobility, and thermodynamic stability) performed at Invitae indicates that this missense variant is not expected to disrupt NRXN1 protein function with a negative predictive value of 80%. In summary, the available evidence is currently insufficient to determine the role of this variant in disease. Therefore, it has been classified as a Variant of Uncertain Significance.